The following is an entry in ClinVar:

NM_001009944.3(PKD1):c.2306T>G (p.Leu769Arg)

Gene: PKD1 (polycystin 1, transient receptor potential channel interacting; minus strand). Cytogenetic location: 16p13.3.
Variant type: single nucleotide variant.
Coding change: c.2306T>G on transcript NM_001009944.3 (MANE Select); coding-DNA position 2306, T replaced by G.
Protein change: p.Leu769Arg; replaces leucine 769 with arginine.
Molecular consequence: missense variant.
Genome position (GRCh38, 1-based): chr16:2,114,717, A>C on the plus strand (T>G on the coding strand, the complement: PKD1 is on the minus strand). VCF-style: chr16-2114717-A-C. GRCh37 (hg19) VCF-style: chr16-2164718-A-C.
Other names: c.2306T>G, p.Leu769Arg (NM_000296.4); short protein forms L769R.
Identifiers: ClinVar variation 997287 (VCV000997287.1), dbSNP rs2092600592, ClinGen allele CA394388244.
Genomic context (GRCh38, chr16:2,114,717, plus strand): 5'-CCAGGGTTGGGCCTCAAGCCCAGCAGCACGGTGAGCTGTTCCGTGGCTGCAAGCAGCCGC[A>C]GGGCACAGGCAGGGCAGGCCCAAGTGCCCTCCAGCTGGGCTGGCAAGTGGGGCAGCCATG-3'
Protein context (NP_001009944.3, residues 759-779): EGTWACPACA[Leu769Arg]RLLAATEQLT

ClinVar aggregate classification (germline): Uncertain significance (0 of 4 stars; one submission).

Conditions:
Polycystic kidney disease. Also called: Polycystic kidney dysplasia; Kidney, Polycystic. Identifiers: MedGen C0022680, MeSH D007690, MONDO:0020642, HP:0000113.

Submission:

Department of Pathology and Laboratory Medicine, Sinai Health System
Classification: Uncertain significance for Polycystic Kidney disease. Review status: no assertion criteria provided. Collection method: clinical testing. Allele origin: unknown. Affected: yes. Study: The Canadian Open Genetics Repository (COGR).
Comment: The PKD1 p.Leu769Arg variant was not identified in the literature nor was it identified in the following databases: dbSNP, ClinVar, COGR, LOVD 3.0, ADPKD Mutation Database, PKD1-LOVD, the 1000 Genomes Project, the NHLBI GO Exome Sequencing Project, the Exome Aggregation Consortium (August 8th 2016), or the Genome Aggregation Database (Feb 27, 2017). The p.Leu769 residue is conserved in mammals and computational analyses (PolyPhen-2, SIFT, AlignGVGD, BLOSUM, MutationTaster) provide inconsistent predictions regarding the impact of Arg to the protein; this information is not very predictive of pathogenicity. The variant occurs outside of the splicing consensus sequence and 2 of 5 in silico or computational prediction software programs (SpliceSiteFinder, MaxEntScan, NNSPLICE, GeneSplicer, HumanSpliceFinder) predict a greater than 10% difference in splicing; this is not very predictive of pathogenicity. In summary, based on the above information the clinical significance of this variant cannot be determined with certainty at this time. This variant is classified as a variant of uncertain significance.